The following is an entry in ClinVar:

NM_207037.2(TCF12):c.1934A>G (p.His645Arg)

Gene: TCF12 (transcription factor 12; plus strand). Cytogenetic location: 15q21.3.
Variant type: single nucleotide variant.
Coding change: c.1934A>G on transcript NM_207037.2 (MANE Select); coding-DNA position 1934, A replaced by G.
Protein change: p.His645Arg; replaces histidine 645 with arginine.
Molecular consequence: missense variant.
Genome position (GRCh38, 1-based): chr15:57,273,218, A>G. VCF-style: chr15-57273218-A-G. GRCh37 (hg19) VCF-style: chr15-57565416-A-G.
Other names: c.1424A>G, p.His475Arg (NM_001306219.3); c.1154A>G, p.His385Arg (NM_001306220.3); c.1934A>G, p.His645Arg (NM_001322151.2, NM_001322159.3, NM_001322162.2 and 1 more transcripts); c.1931A>G, p.His644Arg (NM_001322152.2, NM_001322161.2); c.1277A>G, p.His426Arg (NM_001322154.2); c.1760A>G, p.His587Arg (NM_001322156.2); c.1862A>G, p.His621Arg (NM_001322157.3, NM_001322165.2, NM_003205.4 and 1 more transcripts); c.1688A>G, p.His563Arg (NM_001322158.2); and 2 more; short protein forms H385R, H426R, H451R, H475R, H563R, H587R, H621R, H633R.
Identifiers: ClinVar variation 4848840 (VCV004848840.1).
Genomic context (GRCh38, chr15:57,273,218, plus strand): 5'-GCCGAATGTGTCAGCTTCACTTGAAGAGTGAAAAACCCCAAACAAAACTCCTTATTCTTC[A>G]TCAAGCCGTGGCAGTCATCCTTAGTCTAGAACAGCAAGTCAGAGGTAAGTAGGTTCAGCC-3'
Protein context (NP_996920.1, residues 635-655): EKPQTKLLIL[His645Arg]QAVAVILSLE

ClinVar aggregate classification (germline): Uncertain significance (1 of 4 stars; one submission).

Submission:

Women's Health and Genetics/Laboratory Corporation of America, LabCorp
Classification: Uncertain significance. Last evaluated: 2026-04-07. Review status: criteria provided, single submitter. Criteria: LabCorp Variant Classification Summary - May 2015. Collection method: clinical testing. Allele origin: germline.
Comment: Variant summary: TCF12 c.1934A>G (p.His645Arg) results in a non-conservative amino acid change in the encoded protein sequence. Algorithms developed to predict the effect of missense changes on protein structure and function all suggest that this variant is likely to be disruptive. The variant was absent in 251362 control chromosomes. The available data on variant occurrences in the general population are insufficient to allow any conclusion about variant significance. To our knowledge, no occurrence of c.1934A>G in individuals affected with TCF12-related conditions and no experimental evidence demonstrating its impact on protein function have been reported. No submitters have cited clinical-significance assessments for this variant to ClinVar. Based on the evidence outlined above, the variant was classified as uncertain significance.